The following is an entry in ClinVar:

ClinVar aggregate classification (germline): Pathogenic (1 of 4 stars; one submission).

Conditions:
Hereditary factor IX deficiency disease (HEMB). Also called: F9 DEFICIENCY; FACTOR IX DEFICIENCY; PLASMA THROMBOPLASTIN COMPONENT DEFICIENCY; Hemophilia B; Christmas Disease. Identifiers: Orphanet 98879, MedGen C0008533, MeSH D002836, MONDO:0010604, OMIM 306900.

Submission:

Women's Health and Genetics/Laboratory Corporation of America, LabCorp
Classification: Pathogenic for Hereditary factor IX deficiency disease. Last evaluated: 2025-12-09. Review status: criteria provided, single submitter. Criteria: LabCorp Variant Classification Summary - May 2015. Collection method: clinical testing. Allele origin: germline.
Comment: Variant summary: F9 c.1306G>A (p.Ala436Thr) results in a non-conservative amino acid change in the encoded protein sequence. Algorithms developed to predict the effect of missense changes on protein structure and function all suggest that this variant is likely to be disruptive. The variant was absent in 182889 control chromosomes (gnomAD). c.1306G>A has been observed in multiple individuals affected with Factor IX Deficiency (Hemophilia B)(e.g. Tartary_1993, Van de Water_1996, Radic_2013, Johnsen_2017, Lu_2019). These data indicate that the variant is very likely to be associated with disease. The following publications have been ascertained in the context of this evaluation (PMID: 8217825, 29296726, 23093250, 30648777, 27213901). No submitters have cited clinical-significance assessments for this variant to ClinVar. Based on the evidence outlined above, the variant was classified as pathogenic.

Literature cited by the submitters: PubMed 29296726; PubMed 30648777; PubMed 27213901; PubMed 23093250; PubMed 8217825.

NM_000133.4(F9):c.1306G>A (p.Ala436Thr)

Gene: F9 (coagulation factor IX; plus strand). Cytogenetic location: Xq27.1.
Variant type: single nucleotide variant.
Coding change: c.1306G>A on transcript NM_000133.4 (MANE Select); coding-DNA position 1306, G replaced by A.
Protein change: p.Ala436Thr; replaces alanine 436 with threonine.
Molecular consequence: missense variant.
Genome position (GRCh38, 1-based): chrX:139,561,991, G>A. VCF-style: chrX-139561991-G-A. GRCh37 (hg19) VCF-style: chrX-138644150-G-A.
Other names: c.1192G>A, p.Ala398Thr (NM_001313913.2); short protein forms A398T, A436T.
Identifiers: ClinVar variation 4688446 (VCV004688446.1).